The following is an entry in ClinVar:

ClinVar aggregate classification (germline): Uncertain significance. Review status: criteria provided, multiple submitters, no conflicts (2 of 4 stars). 3 submissions from 3 submitters: Uncertain significance (3). Last evaluated 2024-10-21.

Conditions:
Hereditary cancer-predisposing syndrome. Also called: Hereditary neoplastic syndrome; Tumor predisposition; Hereditary Cancer Syndrome; Neoplastic Syndromes, Hereditary. Identifiers: Orphanet 140162, MedGen C0027672, MeSH D009386, MONDO:0015356.
Fumarase deficiency (FMRD). Also called: Fumaric aciduria; Fumarate Hydratase Deficiency. Identifiers: Orphanet 24, MedGen C0342770, MONDO:0011730, OMIM 606812.
Hereditary leiomyomatosis and renal cell cancer. Also called: FH tumor predisposition syndrome; LEIOMYOMA, MULTIPLE CUTANEOUS; MULTIPLE CUTANEOUS AND UTERINE LEIOMYOMATA 1, WITH OR WITHOUT RENAL CELL CARCINOMA; Multiple cutaneous leiomyomas; Familial leiomyomatosis; Reed syndrome. Identifiers: Orphanet 523, MedGen C1708350, MONDO:0007888, OMIM 150800, HP:0007437. Disease mechanism: loss of function.

Allele frequency attached by ClinVar (database versions not stated): gnomAD exomes below 0.00001; gnomAD 0.00001.
gnomAD v4.1: 1 of 1,613,752 alleles (0.000062%); highest among the groups gnomAD compares: East Asian, 0.0022%; no homozygotes.

Submissions (3):

Labcorp Genetics (formerly Invitae), Labcorp
Classification: Uncertain significance. Last evaluated: 2024-10-21. Review status: criteria provided, single submitter. Criteria: Invitae Variant Classification Sherloc (09022015). Collection method: clinical testing. Allele origin: germline.
Comment: This sequence change replaces methionine, which is neutral and non-polar, with threonine, which is neutral and polar, at codon 259 of the FH protein (p.Met259Thr). This variant is present in population databases (no rsID available, gnomAD 0.06%). This variant has not been reported in the literature in individuals affected with FH-related conditions. ClinVar contains an entry for this variant (Variation ID: 1488936). Invitae Evidence Modeling of protein sequence and biophysical properties (such as structural, functional, and spatial information, amino acid conservation, physicochemical variation, residue mobility, and thermodynamic stability) indicates that this missense variant is not expected to disrupt FH protein function with a negative predictive value of 80%. In summary, the available evidence is currently insufficient to determine the role of this variant in disease. Therefore, it has been classified as a Variant of Uncertain Significance.

Ambry Genetics
Classification: Uncertain significance for Hereditary cancer-predisposing syndrome. Last evaluated: 2024-02-01. Review status: criteria provided, single submitter. Criteria: Ambry Variant Classification Scheme 2023. Collection method: clinical testing. Allele origin: germline.
Comment: The p.M259T variant (also known as c.776T>C), located in coding exon 6 of the FH gene, results from a T to C substitution at nucleotide position 776. The methionine at codon 259 is replaced by threonine, an amino acid with similar properties. This amino acid position is not well conserved in available vertebrate species. In addition, the in silico prediction for this alteration is inconclusive. Based on the available evidence, the clinical significance of this alteration remains unclear.

Fulgent Genetics
Classification: Uncertain significance for Hereditary leiomyomatosis and renal cell cancer; Fumarase deficiency. Last evaluated: 2021-12-18. Review status: criteria provided, single submitter. Criteria: ACMG Guidelines, 2015. Collection method: clinical testing. Allele origin: unknown.

NM_000143.4(FH):c.776T>C (p.Met259Thr)

Gene: FH (fumarate hydratase; minus strand). Cytogenetic location: 1q43.
Variant type: single nucleotide variant.
Coding change: c.776T>C on transcript NM_000143.4 (MANE Select); coding-DNA position 776, T replaced by C.
Protein change: p.Met259Thr; replaces methionine 259 with threonine.
Molecular consequence: missense variant.
Genome position (GRCh38, 1-based): chr1:241,506,131, A>G on the plus strand (T>C on the coding strand, the complement: FH is on the minus strand). VCF-style: chr1-241506131-A-G. GRCh37 (hg19) VCF-style: chr1-241669431-A-G.
Other names: c.776T>C (NM_000143.3); short protein forms M259T.
Identifiers: ClinVar variation 1488936 (VCV001488936.10), dbSNP rs1407485828, ClinGen allele CA345439045.